The following is an entry in ClinVar:

ClinVar aggregate classification (germline): Uncertain significance (1 of 4 stars; one submission).

Allele frequency attached by ClinVar (database versions not stated): gnomAD exomes 0.00001; TOPMed 0.00001; gnomAD 0.00002.
gnomAD v4.1: 6 of 1,613,792 alleles (0.00037%); highest among the groups gnomAD compares: Non-Finnish European, 0.00042%; no homozygotes.

Submission:

Labcorp Genetics (formerly Invitae), Labcorp
Classification: Uncertain significance. Last evaluated: 2022-08-21. Review status: criteria provided, single submitter. Criteria: Invitae Variant Classification Sherloc (09022015). Collection method: clinical testing. Allele origin: germline.
Comment: This sequence change replaces methionine, which is neutral and non-polar, with isoleucine, which is neutral and non-polar, at codon 2352 of the PCLO protein (p.Met2352Ile). This variant is not present in population databases (gnomAD no frequency). This variant has not been reported in the literature in individuals affected with PCLO-related conditions. Algorithms developed to predict the effect of missense changes on protein structure and function output the following: SIFT: "Tolerated"; PolyPhen-2: "Not Available"; Align-GVGD: "Class C0". The isoleucine amino acid residue is found in multiple mammalian species, which suggests that this missense change does not adversely affect protein function. In summary, the available evidence is currently insufficient to determine the role of this variant in disease. Therefore, it has been classified as a Variant of Uncertain Significance.

NM_033026.6(PCLO):c.7056G>T (p.Met2352Ile)

Gene: PCLO (piccolo presynaptic cytomatrix protein; minus strand). Cytogenetic location: 7q21.11.
Variant type: single nucleotide variant.
Coding change: c.7056G>T on transcript NM_033026.6 (MANE Select); coding-DNA position 7056, G replaced by T.
Protein change: p.Met2352Ile; replaces methionine 2352 with isoleucine.
Molecular consequence: missense variant.
Genome position (GRCh38, 1-based): chr7:82,953,897, C>A on the plus strand (G>T on the coding strand, the complement: PCLO is on the minus strand). VCF-style: chr7-82953897-C-A. GRCh37 (hg19) VCF-style: chr7-82583213-C-A.
Other names: c.7056G>T, p.Met2352Ile (NM_014510.3); short protein forms M2352I.
Identifiers: ClinVar variation 2027981 (VCV002027981.1), dbSNP rs267601596, ClinGen allele CA367917786.